The following is an entry in ClinVar:

ClinVar aggregate classification (germline): Likely pathogenic (1 of 4 stars; one submission).

Conditions:
Cohen syndrome (COH1). Also called: Cutis verticis gyrata, retinitis pigmentosa, and sensorineural deafness; PEPPER SYNDROME. Identifiers: Orphanet 193, MedGen C0265223, MONDO:0008999, OMIM 216550.

Submission:

Myriad Genetics, Inc.
Classification: Likely pathogenic for Cohen syndrome. Last evaluated: 2025-09-29. Review status: criteria provided, single submitter. Criteria: Myriad Autosomal Dominant, Autosomal Recessive and X-Linked Classification Criteria (2023). Collection method: clinical testing. Allele origin: unknown.
Comment: NM_017890.4(VPS13B):c.10137-1G>A is a variant in a canonical splice site classified as likely pathogenic in the context of Cohen syndrome. c.10137-1G>A has not been observed in cases with relevant disease. Relevant functional assessments of this variant are not available in the literature. c.10137-1G>A has not been observed in referenced population frequency databases. In summary, NM_017890.4(VPS13B):c.10137-1G>A is a variant in a canonical splice site in a gene where loss of function is a known mechanism of disease and is predicted to disrupt protein function. Please note: this variant was assessed in the context of healthy population screening.

NM_152564.5(VPS13B):c.10062-1G>A

Gene: VPS13B (vacuolar protein sorting 13 homolog B; plus strand). Cytogenetic location: 8q22.2.
Variant type: single nucleotide variant.
Coding change: c.10062-1G>A on transcript NM_152564.5 (MANE Select); the canonical splice acceptor site of the intron before coding-DNA position 10062, G replaced by A.
Molecular consequence: splice acceptor variant.
Genome position (GRCh38, 1-based): chr8:99,853,450, G>A. VCF-style: chr8-99853450-G-A. GRCh37 (hg19) VCF-style: chr8-100865678-G-A.
Other names: c.10137-1G>A (NM_017890.5).
Identifiers: ClinVar variation 5004192 (VCV005004192.1).